The following is an entry in ClinVar:

NM_007294.4(BRCA1):c.4675+11A>G

Gene: BRCA1 (BRCA1 DNA repair associated; minus strand). Cytogenetic location: 17q21.31.
Variant type: single nucleotide variant.
Coding change: c.4675+11A>G on transcript NM_007294.4 (MANE Select); 11 bases into the intron after coding-DNA position 4675, A replaced by G.
Molecular consequence: intron variant.
Genome position (GRCh38, 1-based): chr17:43,074,320, T>C on the plus strand (A>G on the coding strand, the complement: BRCA1 is on the minus strand). VCF-style: chr17-43074320-T-C. GRCh37 (hg19) VCF-style: chr17-41226337-T-C.
Other names: c.1222+11A>G (NM_001408458.1, NM_001408461.1, NM_001408464.1 and 7 more transcripts); c.3784+11A>G (NM_001407967.1); c.4294+11A>G (NM_001407959.1); c.4408+11A>G (NM_001407931.1, NM_001407932.1, NM_001407928.1 and 4 more transcripts); c.4531+11A>G (NM_001407747.1, NM_001407745.1, NM_001407737.1 and 21 more transcripts); c.4291+11A>G (NM_001407962.1, NM_001407960.1); c.862+11A>G (NM_001408512.1); c.985+11A>G (NM_001408510.1); and 71 more.
Identifiers: ClinVar variation 371985 (VCV000371985.19), dbSNP rs750095985, ClinGen allele CA052656.

ClinVar aggregate classification (germline): Likely benign. Review status: criteria provided, multiple submitters, no conflicts (2 of 4 stars). 7 submissions from 7 submitters: Likely benign (6). 1 of the submissions does not count toward it. Last evaluated 2025-11-25.

Conditions:
Breast-ovarian cancer, familial, susceptibility to, 1 (BROVCA1). Also called: BRCA1 Hereditary Breast and Ovarian Cancer; OVARIAN CANCER, SUSCEPTIBILITY TO. Identifiers: Orphanet 145, MedGen C2676676, MONDO:0011450, OMIM 604370. Disease mechanism: loss of function.
Hereditary breast ovarian cancer syndrome. Also called: Hereditary breast and ovarian cancer syndrome; Breast and ovarian cancer; Hereditary breast and ovarian cancer syndrome (HBOC); Hereditary breast and/or ovarian cancer syndrome; BRCA1- and BRCA2-Associated Hereditary Breast and Ovarian Cancer; Hereditary breast and ovarian cancer. Identifiers: Orphanet 145, MedGen C0677776, MeSH D061325, MONDO:0003582. Disease mechanism: loss of function.
Hereditary cancer-predisposing syndrome. Also called: Neoplastic Syndromes, Hereditary; Hereditary neoplastic syndrome; Hereditary Cancer Syndrome; Tumor predisposition. Identifiers: Orphanet 140162, MedGen C0027672, MeSH D009386, MONDO:0015356.

Allele frequency attached by ClinVar (database versions not stated): gnomAD 0.00001 and 0.00002; ExAC 0.00002; gnomAD exomes 0.00002; TOPMed 0.00002.
gnomAD v4.1: 16 of 1,612,054 alleles (0.00099%); highest among the groups gnomAD compares: Admixed American, 0.017%; no homozygotes.

Submissions (7):

Labcorp Genetics (formerly Invitae), Labcorp
Classification: Likely benign for Hereditary breast ovarian cancer syndrome. Last evaluated: 2025-11-25. Review status: criteria provided, single submitter. Criteria: Invitae Variant Classification Sherloc (09022015). Collection method: clinical testing. Allele origin: germline.

Women's Health and Genetics/Laboratory Corporation of America, LabCorp
Classification: Likely benign. Last evaluated: 2023-09-11. Review status: criteria provided, single submitter. Criteria: LabCorp Variant Classification Summary - May 2015. Collection method: clinical testing. Allele origin: germline.
Comment: Variant summary: BRCA1 c.4675+11A>G alters a non-conserved nucleotide located at a position not widely known to affect splicing. Consensus agreement among computation tools predict no significant impact on normal splicing. However, these predictions have yet to be confirmed by functional studies. The variant allele was found at a frequency of 2e-05 in 251008 control chromosomes (gnomAD). The available data on variant occurrences in the general population are insufficient to allow any conclusion about variant significance. To our knowledge, c.4675+11A>G has not been reported in the literature in individuals affected with Hereditary Breast And Ovarian Cancer Syndrome and no experimental evidence demonstrating an impact on protein function has been reported. The following publication has been ascertained in the context of this evaluation (PMID: 26780556). Five submitters have cited clinical-significance assessments for this variant to ClinVar after 2014. All submitters classified the variant as likely benign. Based on the evidence outlined above, the variant was classified as likely benign.

Blueprint Genetics
Classification: Likely benign. Last evaluated: 2022-11-15. Review status: criteria provided, single submitter. Criteria: ACMG Guidelines, 2015. Collection method: clinical testing. Allele origin: germline.

Sema4
Classification: Likely benign for Hereditary cancer-predisposing syndrome. Last evaluated: 2021-01-23. Review status: criteria provided, single submitter. Criteria: Sema4 Curation Guidelines. Collection method: curation. Allele origin: germline.

Color Diagnostics, LLC DBA Color Health
Classification: Likely benign for Hereditary cancer-predisposing syndrome. Last evaluated: 2017-05-12. Review status: criteria provided, single submitter. Criteria: ACMG Guidelines, 2015. Collection method: clinical testing. Allele origin: germline.

GeneDx
Classification: Likely benign. Last evaluated: 2016-11-14. Review status: criteria provided, single submitter. Criteria: GeneDx Variant Classification (06012015). Collection method: clinical testing. Allele origin: germline. Affected: yes.
Comment: This variant is considered likely benign or benign based on one or more of the following criteria: it is a conservative change, it occurs at a poorly conserved position in the protein, it is predicted to be benign by multiple in silico algorithms, and/or has population frequency not consistent with disease.

Counsyl
Classification: Likely benign for Breast-ovarian cancer, familial, susceptibility to, 1. Last evaluated: 2016-09-28. Review status: no assertion criteria provided. Collection method: clinical testing. Allele origin: unknown. Not counted in ClinVar's aggregate classification.

Literature cited by the submitters: PubMed 26780556 (cited by Women's Health and Genetics/Laboratory Corporation of America, LabCorp and Sema4).